The following is an entry in ClinVar:

ClinVar aggregate classification (germline): Pathogenic. Review status: reviewed by expert panel (3 of 4 stars). 7 submissions from 7 submitters: Pathogenic (1). 6 of the submissions do not count toward it. Last evaluated 2016-09-08.

Conditions:
Hereditary cancer-predisposing syndrome. Also called: Hereditary Cancer Syndrome; Hereditary neoplastic syndrome; Neoplastic Syndromes, Hereditary; Tumor predisposition. Identifiers: Orphanet 140162, MedGen C0027672, MeSH D009386, MONDO:0015356.
Breast-ovarian cancer, familial, susceptibility to, 1 (BROVCA1). Also called: BRCA1 Hereditary Breast and Ovarian Cancer; OVARIAN CANCER, SUSCEPTIBILITY TO. Identifiers: Orphanet 145, MedGen C2676676, MONDO:0011450, OMIM 604370. Disease mechanism: loss of function.
Hereditary breast ovarian cancer syndrome. Also called: BRCA1- and BRCA2-Associated Hereditary Breast and Ovarian Cancer; Hereditary breast and ovarian cancer syndrome; Hereditary breast and ovarian cancer syndrome (HBOC); Breast and ovarian cancer; Hereditary breast and/or ovarian cancer syndrome; Hereditary breast and ovarian cancer. Identifiers: Orphanet 145, MedGen C0677776, MeSH D061325, MONDO:0003582. Disease mechanism: loss of function.

Submissions (7):

Evidence-based Network for the Interpretation of Germline Mutant Alleles (ENIGMA)
Classification: Pathogenic for Breast-ovarian cancer, familial, susceptibility to, 1. Last evaluated: 2016-09-08. Review status: reviewed by expert panel. Criteria: ENIGMA BRCA1/2 Classification Criteria (2015). Collection method: curation. Allele origin: germline.
Comment: Variant allele predicted to encode a truncated non-functional protein.

Ambry Genetics
Classification: Pathogenic for Hereditary cancer-predisposing syndrome. Last evaluated: 2025-05-17. Review status: criteria provided, single submitter. Criteria: Ambry Variant Classification Scheme 2023. Collection method: clinical testing. Allele origin: germline. Not counted in ClinVar's aggregate classification.
Comment: The c.5320_5321delAA pathogenic mutation, located in coding exon 19 of the BRCA1 gene, results from a deletion of two nucleotides at nucleotide positions 5320 to 5321, causing a translational frameshift with a predicted alternate stop codon (p.N1774Hfs*55). This variant is considered to be rare based on population cohorts in the Genome Aggregation Database (gnomAD). This alteration is expected to result in loss of function by premature protein truncation or nonsense-mediated mRNA decay. As such, this alteration is interpreted as a disease-causing mutation.

Labcorp Genetics (formerly Invitae), Labcorp
Classification: Pathogenic for Hereditary breast ovarian cancer syndrome. Last evaluated: 2021-02-02. Review status: criteria provided, single submitter. Criteria: Invitae Variant Classification Sherloc (09022015). Collection method: clinical testing. Allele origin: germline. Not counted in ClinVar's aggregate classification.
Comment: For these reasons, this variant has been classified as Pathogenic. This variant has been observed in individual(s) with familial breast cancer (PMID: 9145677). This variant is also known as 5439delAA in the literature. ClinVar contains an entry for this variant (Variation ID: 55524). This variant is not present in population databases (ExAC no frequency). This sequence change creates a premature translational stop signal (p.Asn1774Hisfs*55) in the BRCA1 gene. It is expected to result in an absent or disrupted protein product. Loss-of-function variants in BRCA1 are known to be pathogenic (PMID: 20104584).

Color Diagnostics, LLC DBA Color Health
Classification: Pathogenic for Hereditary cancer-predisposing syndrome. Last evaluated: 2020-07-06. Review status: criteria provided, single submitter. Criteria: ACMG Guidelines, 2015. Collection method: clinical testing. Allele origin: germline. Not counted in ClinVar's aggregate classification.
Comment: This variant deletes 2 nucleotides in exon 20 of the BRCA1 gene, creating a frameshift and premature translation stop signal. This variant is expected to result in an absent or non-functional protein product. This variant has been reported in an individual(s) affected with hereditary cancer in the literature (PMID 9145677, 29446198). This variant has not been identified in the general population by the Genome Aggregation Database (gnomAD). Loss of BRCA1 function is a known mechanism of disease. Based on the available evidence, this variant is classified as Pathogenic.

Consortium of Investigators of Modifiers of BRCA1/2 (CIMBA), c/o University of Cambridge
Classification: Pathogenic for Breast-ovarian cancer, familial, susceptibility to, 1. Last evaluated: 2015-10-02. Review status: criteria provided, single submitter. Criteria: CIMBA Mutation Classification guidelines May 2016. Collection method: clinical testing. Allele origin: germline. Not counted in ClinVar's aggregate classification.

Research Molecular Genetics Laboratory, Women's College Hospital, University of Toronto
Classification: Pathogenic for Hereditary breast ovarian cancer syndrome. Last evaluated: 2014-01-31. Review status: no assertion criteria provided. Collection method: research. Allele origin: germline. Affected: yes. Study: The Canadian Open Genetics Repository (COGR). Not counted in ClinVar's aggregate classification.

Breast Cancer Information Core (BIC) (BRCA1)
Classification: Pathogenic for Breast-ovarian cancer, familial 1. Last evaluated: 2004-02-20. Review status: no assertion criteria provided. Collection method: clinical testing. Allele origin: germline. Affected: yes. Observed: 2 variant alleles. Not counted in ClinVar's aggregate classification.

Literature cited by the submitters: PubMed 9145677 (cited by Labcorp Genetics (formerly Invitae), Labcorp); PubMed 20104584 (cited by Labcorp Genetics (formerly Invitae), Labcorp).

NM_007294.4(BRCA1):c.5320_5321del (p.Asn1774fs)

Gene: BRCA1 (BRCA1 DNA repair associated; minus strand). Cytogenetic location: 17q21.31.
Variant type: Deletion.
Coding change: c.5320_5321del on transcript NM_007294.4 (MANE Select); coding-DNA positions 5320 to 5321, 2 bases deleted (AA; older notation c.5320_5321delAA).
Protein change: p.Asn1774fs; shifts the reading frame from asparagine 1774.
Molecular consequence: frameshift variant. On other transcripts: non-coding transcript variant (1).
Genome position (GRCh38, 1-based): chr17:43,051,074-43,051,075, TT deleted on the plus strand (AA on the coding strand, the reverse complement: BRCA1 is on the minus strand). VCF-style (leftmost placement, unchanged base first): chr17-43051073-GTT-G. GRCh37 (hg19) VCF-style: chr17-41203090-GTT-G.
Other names: 5439delAA; c.5239_5240delAA, p.Asn1747Hisfs (NM_001407657.1, NM_001407658.1, NM_001407656.1); c.5236_5237delAA, p.Asn1746Hisfs (NM_001407659.1, NM_001407660.1, NM_001407661.1 and 2 more transcripts); c.5197_5198delAA, p.Asn1733Hisfs (NM_001407664.1, NM_001407665.1, NM_001407666.1 and 5 more transcripts); c.5194_5195delAA, p.Asn1732Hisfs (NM_001407670.1, NM_001407671.1, NM_001407672.1 and 10 more transcripts); c.5191_5192delAA, p.Asn1731Hisfs (NM_001407681.1, NM_001407682.1, NM_001407683.1 and 6 more transcripts); c.5188_5189delAA, p.Asn1730Hisfs (NM_001407690.1, NM_001407691.1); c.5179_5180delAA, p.Asn1727Hisfs (NM_001407692.1, NM_001407694.1, NM_001407695.1 and 12 more transcripts); and 76 more; short protein forms N1727fs, N670fs, N1774fs, N1795fs.
Identifiers: ClinVar variation 55524 (VCV000055524.17), dbSNP rs80357818, ClinGen allele CA003473.